The following is an entry in ClinVar:

NM_001008537.3(NEXMIF):c.3224A>G (p.Asp1075Gly)

Gene: NEXMIF (neurite extension and migration factor; minus strand). Cytogenetic location: Xq13.3.
Variant type: single nucleotide variant.
Coding change: c.3224A>G on transcript NM_001008537.3 (MANE Select); coding-DNA position 3224, A replaced by G.
Protein change: p.Asp1075Gly; replaces aspartic acid 1075 with glycine.
Molecular consequence: missense variant.
Genome position (GRCh38, 1-based): chrX:74,741,333, T>C on the plus strand (A>G on the coding strand, the complement: NEXMIF is on the minus strand). VCF-style: chrX-74741333-T-C. GRCh37 (hg19) VCF-style: chrX-73961168-T-C.
Other names: short protein forms D1075G.
Identifiers: ClinVar variation 3670323 (VCV003670323.2).

ClinVar aggregate classification (germline): Uncertain significance (1 of 4 stars; one submission).

gnomAD v4.1: 3 of 1,209,074 alleles (0.00025%); highest among the groups gnomAD compares: Non-Finnish European, 0.00034%; no homozygotes.

Submission:

Labcorp Genetics (formerly Invitae), Labcorp
Classification: Uncertain significance. Last evaluated: 2024-08-24. Review status: criteria provided, single submitter. Criteria: Invitae Variant Classification Sherloc (09022015). Collection method: clinical testing. Allele origin: germline.
Comment: This sequence change replaces aspartic acid, which is acidic and polar, with glycine, which is neutral and non-polar, at codon 1075 of the NEXMIF protein (p.Asp1075Gly). The frequency data for this variant in the population databases is considered unreliable, as metrics indicate poor data quality at this position in the gnomAD database. This variant has not been reported in the literature in individuals affected with NEXMIF-related conditions. An algorithm developed to predict the effect of missense changes on protein structure and function (PolyPhen-2) suggests that this variant is likely to be disruptive. In summary, the available evidence is currently insufficient to determine the role of this variant in disease. Therefore, it has been classified as a Variant of Uncertain Significance.